The following is an entry in ClinVar:

NM_000884.3(IMPDH2):c.661A>T (p.Ile221Phe)

Gene: IMPDH2 (inosine monophosphate dehydrogenase 2; minus strand). Cytogenetic location: 3p21.31.
Variant type: single nucleotide variant.
Coding change: c.661A>T on transcript NM_000884.3 (MANE Select); coding-DNA position 661, A replaced by T.
Protein change: p.Ile221Phe; replaces isoleucine 221 with phenylalanine.
Molecular consequence: missense variant.
Genome position (GRCh38, 1-based): chr3:49,026,845, T>A on the plus strand (A>T on the coding strand, the complement: IMPDH2 is on the minus strand). VCF-style: chr3-49026845-T-A. GRCh37 (hg19) VCF-style: chr3-49064278-T-A.
Other names: c.661A>T, p.Ile221Phe (NM_001410759.1); c.586A>T, p.Ile196Phe (NM_001410760.1, NM_001410761.1); short protein forms I196F, I221F.
Identifiers: ClinVar variation 3361561 (VCV003361561.1).

ClinVar aggregate classification (germline): Uncertain significance (1 of 4 stars; one submission).

Submission:

GeneDx
Classification: Uncertain significance. Last evaluated: 2023-07-24. Review status: criteria provided, single submitter. Criteria: GeneDx Variant Classification Process June 2021. Collection method: clinical testing. Allele origin: germline. Affected: yes.
Comment: Not observed at significant frequency in large population cohorts (gnomAD); In silico analysis supports that this missense variant has a deleterious effect on protein structure/function; In silico analysis suggests this variant may impact gene splicing. In the absence of RNA/functional studies, the actual effect of this sequence change is unknown.; Has not been previously published as pathogenic or benign to our knowledge